The following is an entry in ClinVar:

ClinVar aggregate classification (germline): Uncertain significance (1 of 4 stars; one submission).

Conditions:
Gastrointestinal stromal tumor. Also called: Gastrointestinal stromal tumor, somatic; Gastrointestinal stroma tumor. Identifiers: Orphanet 44890, MedGen C0238198, MeSH D046152, MONDO:0011719, OMIM 606764, HP:0100723.

Allele frequency attached by ClinVar (database versions not stated): gnomAD exomes below 0.00001; ExAC 0.00001.
gnomAD v4.1: 1 of 1,614,134 alleles (0.000062%); highest among the groups gnomAD compares: Non-Finnish European, 0.000085%; no homozygotes.

Submission:

Labcorp Genetics (formerly Invitae), Labcorp
Classification: Uncertain significance for Gastrointestinal stromal tumor. Last evaluated: 2021-09-01. Review status: criteria provided, single submitter. Criteria: Invitae Variant Classification Sherloc (09022015). Collection method: clinical testing. Allele origin: germline.
Comment: This sequence change replaces isoleucine with leucine at codon 1050 of the PDGFRA protein (p.Ile1050Leu). The isoleucine residue is highly conserved and there is a small physicochemical difference between isoleucine and leucine. This variant is present in population databases (rs757362827, ExAC 0.001%). This variant has not been reported in the literature in individuals affected with PDGFRA-related conditions. Algorithms developed to predict the effect of missense changes on protein structure and function (SIFT, PolyPhen-2, Align-GVGD) all suggest that this variant is likely to be tolerated. In summary, the available evidence is currently insufficient to determine the role of this variant in disease. Therefore, it has been classified as a Variant of Uncertain Significance.

NM_006206.6(PDGFRA):c.3148A>C (p.Ile1050Leu)

Gene: PDGFRA (platelet derived growth factor receptor alpha; plus strand). Cytogenetic location: 4q12.
Variant type: single nucleotide variant.
Coding change: c.3148A>C on transcript NM_006206.6 (MANE Select); coding-DNA position 3148, A replaced by C.
Protein change: p.Ile1050Leu; replaces isoleucine 1050 with leucine.
Molecular consequence: missense variant.
Genome position (GRCh38, 1-based): chr4:54,295,150, A>C. VCF-style: chr4-54295150-A-C. GRCh37 (hg19) VCF-style: chr4-55161317-A-C.
Other names: c.3223A>C, p.Ile1075Leu (NM_001347828.2); c.3148A>C, p.Ile1050Leu (NM_001347829.2); c.3187A>C, p.Ile1063Leu (NM_001347830.2); short protein forms I1050L, I1075L, I1063L.
Identifiers: ClinVar variation 659923 (VCV000659923.8), dbSNP rs757362827, ClinGen allele CA2923047.